The following is an entry in ClinVar:

NM_000155.4(GALT):c.1048del (p.Thr350fs)

Gene: GALT (galactose-1-phosphate uridylyltransferase; plus strand). Cytogenetic location: 9p13.3.
Variant type: Deletion.
Coding change: c.1048del on transcript NM_000155.4 (MANE Select); coding-DNA position 1048, one base deleted (A; older notation c.1048delA).
Protein change: p.Thr350fs; shifts the reading frame from threonine 350.
Molecular consequence: frameshift variant.
Genome position (GRCh38, 1-based): chr9:34,649,553, A deleted. VCF-style (leftmost placement, unchanged base first): chr9-34649552-CA-C. GRCh37 (hg19) VCF-style: chr9-34649549-CA-C.
Other names: c.1048del (NM_000155.3); c.721del, p.Thr241fs (NM_001258332.2); short protein forms T350fs, T241fs.
Identifiers: ClinVar variation 370881 (VCV000370881.12), dbSNP rs775762045, ClinGen allele CA5036275.

ClinVar aggregate classification (germline): Pathogenic/Likely pathogenic. Review status: criteria provided, multiple submitters, no conflicts (2 of 4 stars). 3 submissions from 3 submitters: Pathogenic (1); Likely pathogenic (1). 1 of the submissions does not count toward it. Last evaluated 2026-01-11.

Conditions:
Deficiency of UDPglucose-hexose-1-phosphate uridylyltransferase. Also called: GALACTOSEMIA I; GALACTOSE-1-PHOSPHATE URIDYLYLTRANSFERASE DEFICIENCY; Transferase Deficiency Galactosemia; GALT deficiency; Galactosemia, classic. Identifiers: Orphanet 352, Orphanet 79239, MedGen C0268151, MONDO:0009258, OMIM 230400.
Galactosemia. Also called: Galactose intolerance. Identifiers: Orphanet 352, MedGen C0016952, MONDO:0018116, HP:0004919. Disease mechanism: loss of function.

Allele frequency attached by ClinVar (database versions not stated): gnomAD exomes below 0.00001; ExAC 0.00001.

Submissions (3):

Natera, Inc.
Classification: Likely pathogenic for Galactosemia. Last evaluated: 2026-01-11. Review status: criteria provided, single submitter. Criteria: Natera Variant Classification Schema (03/2026). Collection method: clinical testing. Allele origin: germline.
Comment: The c.1048delA variant in GALT is a frameshift variant predicted to shift the reading frame beginning at codon 350 and leads to a stop codon 9 codons downstream. This variant is expected to result in nonsense mediated decay, truncation, or a dysfunctional protein product. This variant is rare in the general population with a frequency below the threshold expected for the associated phenotype(s). Given the available evidence, this variant is classified as Likely Pathogenic.

Labcorp Genetics (formerly Invitae), Labcorp
Classification: Pathogenic for Deficiency of UDPglucose-hexose-1-phosphate uridylyltransferase. Last evaluated: 2025-12-15. Review status: criteria provided, single submitter. Criteria: Invitae Variant Classification Sherloc (09022015). Collection method: clinical testing. Allele origin: germline.
Comment: This sequence change creates a premature translational stop signal (p.Thr350Profs*9) in the GALT gene. While this is not anticipated to result in nonsense mediated decay, it is expected to disrupt the last 30 amino acid(s) of the GALT protein. This variant is present in population databases (rs775762045, gnomAD 0.003%). This variant has not been reported in the literature in individuals affected with GALT-related conditions. ClinVar contains an entry for this variant (Variation ID: 370881). This variant disrupts a region of the GALT protein in which other variant(s) (p.Glu363Lys) have been determined to be pathogenic (PMID: 21150919, 30718057). This suggests that this is a clinically significant region of the protein, and that variants that disrupt it are likely to be disease-causing. For these reasons, this variant has been classified as Pathogenic.

Counsyl
Classification: Likely pathogenic for Deficiency of UDPglucose-hexose-1-phosphate uridylyltransferase. Last evaluated: 2016-05-06. Review status: no assertion criteria provided. Collection method: clinical testing. Allele origin: unknown. Not counted in ClinVar's aggregate classification.

Literature cited by the submitters: PubMed 21150919 (cited by Labcorp Genetics (formerly Invitae), Labcorp); PubMed 30718057 (cited by Labcorp Genetics (formerly Invitae), Labcorp).